The following is an entry in ClinVar:

NM_006648.4(WNK2):c.5552G>A (p.Gly1851Asp)

Gene: WNK2 (WNK lysine deficient protein kinase 2; plus strand). Cytogenetic location: 9q22.31.
Variant type: single nucleotide variant.
Coding change: c.5552G>A on transcript NM_006648.4 (MANE Select); coding-DNA position 5552, G replaced by A.
Protein change: p.Gly1851Asp; replaces glycine 1851 with aspartic acid.
Molecular consequence: missense variant.
Genome position (GRCh38, 1-based): chr9:93,293,017, G>A. VCF-style: chr9-93293017-G-A. GRCh37 (hg19) VCF-style: chr9-96055299-G-A.
Other names: c.5663G>A, p.Gly1888Asp (NM_001282394.3); short protein forms G1888D, G1851D.
Identifiers: ClinVar variation 3470481 (VCV003470481.1).

ClinVar aggregate classification (germline): Uncertain significance (1 of 4 stars; one submission).

gnomAD v4.1: 2 of 1,598,780 alleles (0.00013%); highest among the groups gnomAD compares: Non-Finnish European, 0.000085%; no homozygotes.

Submission:

Ambry Genetics
Classification: Uncertain significance. Last evaluated: 2024-11-27. Review status: criteria provided, single submitter. Criteria: Ambry Variant Classification Scheme 2023. Collection method: clinical testing. Allele origin: germline.
Comment: The p.G1851D variant (also known as c.5552G>A), located in coding exon 22 of the WNK2 gene, results from a G to A substitution at nucleotide position 5552. The glycine at codon 1851 is replaced by aspartic acid, an amino acid with similar properties. This amino acid position is conserved. In addition, this alteration is predicted to be tolerated by in silico analysis. Based on the available evidence, the clinical significance of this variant remains unclear.